The following is an entry in ClinVar:

NM_002755.4(MAP2K1):c.86A>G (p.Asn29Ser)

Gene: MAP2K1 (mitogen-activated protein kinase kinase 1; plus strand). Cytogenetic location: 15q22.31.
Variant type: single nucleotide variant.
Coding change: c.86A>G on transcript NM_002755.4 (MANE Select); coding-DNA position 86, A replaced by G.
Protein change: p.Asn29Ser; replaces asparagine 29 with serine.
Molecular consequence: missense variant.
Genome position (GRCh38, 1-based): chr15:66,435,032, A>G. VCF-style: chr15-66435032-A-G. GRCh37 (hg19) VCF-style: chr15-66727370-A-G.
Other names: c.20A>G, p.Asn7Ser (NM_001411065.1); short protein forms N29S, N7S.
Identifiers: ClinVar variation 2045953 (VCV002045953.4), dbSNP rs1277076291, ClinGen allele CA392928883.

ClinVar aggregate classification (germline): Uncertain significance (1 of 4 stars; one submission).

Conditions:
RASopathy. Also called: rasopathies; Noonan spectrum disorder. Identifiers: Orphanet 536391, MedGen C5555857, MONDO:0021060.

Allele frequency attached by ClinVar (database versions not stated): TOPMed below 0.00001; gnomAD exomes 0.00003.
gnomAD v4.1: 39 of 1,612,824 alleles (0.0024%); highest among the groups gnomAD compares: Non-Finnish European, 0.0032%; no homozygotes.

Submission:

Labcorp Genetics (formerly Invitae), Labcorp
Classification: Uncertain significance for RASopathy. Last evaluated: 2025-10-15. Review status: criteria provided, single submitter. Criteria: Invitae Variant Classification Sherloc (09022015). Collection method: clinical testing. Allele origin: germline.
Comment: This sequence change replaces asparagine, which is neutral and polar, with serine, which is neutral and polar, at codon 29 of the MAP2K1 protein (p.Asn29Ser). This variant is present in population databases (no rsID available, gnomAD 0.006%). This variant has not been reported in the literature in individuals affected with MAP2K1-related conditions. ClinVar contains an entry for this variant (Variation ID: 2045953). Invitae Evidence Modeling of protein sequence and biophysical properties (such as structural, functional, and spatial information, amino acid conservation, physicochemical variation, residue mobility, and thermodynamic stability) indicates that this missense variant is not expected to disrupt MAP2K1 protein function with a negative predictive value of 95%. In summary, the available evidence is currently insufficient to determine the role of this variant in disease. Therefore, it has been classified as a Variant of Uncertain Significance.